The following is an entry in ClinVar:

NM_007373.4(SHOC2):c.842-3C>T

Gene: SHOC2 (SHOC2 leucine rich repeat scaffold protein; plus strand). Cytogenetic location: 10q25.2.
Variant type: single nucleotide variant.
Coding change: c.842-3C>T on transcript NM_007373.4 (MANE Select); 3 bases into the intron before coding-DNA position 842, C replaced by T.
Molecular consequence: intron variant.
Genome position (GRCh38, 1-based): chr10:111,000,412, C>T. VCF-style: chr10-111000412-C-T. GRCh37 (hg19) VCF-style: chr10-112760170-C-T.
Other names: c.842-3C>T (NM_001324336.2, NM_001324337.2); c.704-3C>T (NM_001269039.3).
Identifiers: ClinVar variation 506891 (VCV000506891.10), dbSNP rs1485718634, ClinGen allele CA596016722.
Genomic context (GRCh38, chr10:111,000,412, plus strand): 5'-TGACAGTGAGAGGCTCATCAGATTTTGTAAAAAATAAATTTCTTTTTTTGTGTGTGTTTA[C>T]AGGAAACCTGTCCAGTTTAAGTCGTCTTGGTCTGAGATATAACAGACTGTCAGCAATACC-3'

ClinVar aggregate classification (germline): Conflicting classifications of pathogenicity. Review status: criteria provided, conflicting classifications (1 of 4 stars). 3 submissions from 3 submitters: Uncertain significance (2); Likely benign (1). Last evaluated 2025-11-23.

Conditions:
Noonan syndrome and Noonan-related syndrome. Identifiers: Orphanet 98733, MedGen C5681679, MONDO:0020297.
RASopathy. Also called: Noonan spectrum disorder; rasopathies. Identifiers: Orphanet 536391, MedGen C5555857, MONDO:0021060.

Allele frequency attached by ClinVar (database versions not stated): gnomAD exomes below 0.00001 and 0.00001; gnomAD 0.00001.
gnomAD v4.1: 24 of 1,613,458 alleles (0.0015%); highest among the groups gnomAD compares: Non-Finnish European, 0.0017%; no homozygotes.

Submissions (3):

Labcorp Genetics (formerly Invitae), Labcorp
Classification: Uncertain significance for RASopathy. Last evaluated: 2025-11-23. Review status: criteria provided, single submitter. Criteria: Invitae Variant Classification Sherloc (09022015). Collection method: clinical testing. Allele origin: germline.
Comment: This sequence change falls in intron 3 of the SHOC2 gene. It does not directly change the encoded amino acid sequence of the SHOC2 protein. It affects a nucleotide within the consensus splice site. This variant is present in population databases (no rsID available, gnomAD 0.004%). This variant has not been reported in the literature in individuals affected with SHOC2-related conditions. ClinVar contains an entry for this variant (Variation ID: 506891). Variants that disrupt the consensus splice site are a relatively common cause of aberrant splicing (PMID: 17576681, 9536098). Algorithms developed to predict the effect of sequence changes on RNA splicing suggest that this variant is not likely to affect RNA splicing. In summary, the available evidence is currently insufficient to determine the role of this variant in disease. Therefore, it has been classified as a Variant of Uncertain Significance.

Genome Diagnostics Laboratory, The Hospital for Sick Children
Classification: Uncertain significance for Noonan syndrome and Noonan-related syndrome. Last evaluated: 2019-11-01. Review status: criteria provided, single submitter. Criteria: ACMG Guidelines, 2015. Collection method: clinical testing. Allele origin: germline.

GeneDx
Classification: Likely benign. Last evaluated: 2017-01-19. Review status: criteria provided, single submitter. Criteria: GeneDx Variant Classification (06012015). Collection method: clinical testing. Allele origin: germline. Affected: yes.
Comment: This variant is considered likely benign or benign based on one or more of the following criteria: it is a conservative change, it occurs at a poorly conserved position in the protein, it is predicted to be benign by multiple in silico algorithms, and/or has population frequency not consistent with disease.

Literature cited by the submitters: PubMed 17576681 (cited by Labcorp Genetics (formerly Invitae), Labcorp); PubMed 9536098 (cited by Labcorp Genetics (formerly Invitae), Labcorp).